The following is an entry in ClinVar:

ClinVar aggregate classification (germline): Uncertain significance. Review status: criteria provided, multiple submitters, no conflicts (2 of 4 stars). 2 submissions from 2 submitters: Uncertain significance (2). Last evaluated 2024-01-30.

Conditions:
Hereditary cancer-predisposing syndrome. Also called: Neoplastic Syndromes, Hereditary; Tumor predisposition; Hereditary neoplastic syndrome; Hereditary Cancer Syndrome. Identifiers: Orphanet 140162, MedGen C0027672, MeSH D009386, MONDO:0015356.
Polyps, multiple and recurrent inflammatory fibroid, gastrointestinal. Identifiers: MedGen C5193005, MONDO:0008285, OMIM 175510.

Allele frequency attached by ClinVar (database versions not stated): gnomAD exomes below 0.00001.
gnomAD v4.1: 2 of 1,613,730 alleles (0.00012%); highest among the groups gnomAD compares: Non-Finnish European, 0.00017%; no homozygotes.

Submissions (2):

Ambry Genetics
Classification: Uncertain significance for Hereditary cancer-predisposing syndrome. Last evaluated: 2024-01-30. Review status: criteria provided, single submitter. Criteria: Ambry Variant Classification Scheme 2023. Collection method: clinical testing. Allele origin: germline.
Comment: The p.A1014G variant (also known as c.3041C>G), located in coding exon 21 of the PDGFRA gene, results from a C to G substitution at nucleotide position 3041. The alanine at codon 1014 is replaced by glycine, an amino acid with similar properties. This amino acid position is conserved. In addition, this alteration is predicted to be tolerated by in silico analysis. Based on the available evidence, the clinical significance of this alteration remains unclear.

Baylor Genetics
Classification: Uncertain significance for Polyps, multiple and recurrent inflammatory fibroid, gastrointestinal. Last evaluated: 2024-01-03. Review status: criteria provided, single submitter. Criteria: ACMG Guidelines, 2015. Collection method: clinical testing. Allele origin: unknown.

NM_006206.6(PDGFRA):c.3041C>G (p.Ala1014Gly)

Gene: PDGFRA (platelet derived growth factor receptor alpha; plus strand). Cytogenetic location: 4q12.
Variant type: single nucleotide variant.
Coding change: c.3041C>G on transcript NM_006206.6 (MANE Select); coding-DNA position 3041, C replaced by G.
Protein change: p.Ala1014Gly; replaces alanine 1014 with glycine.
Molecular consequence: missense variant.
Genome position (GRCh38, 1-based): chr4:54,290,473, C>G. VCF-style: chr4-54290473-C-G. GRCh37 (hg19) VCF-style: chr4-55156640-C-G.
Other names: c.3116C>G, p.Ala1039Gly (NM_001347828.2); c.3041C>G, p.Ala1014Gly (NM_001347829.2); c.3080C>G, p.Ala1027Gly (NM_001347830.2); short protein forms A1014G, A1027G, A1039G.
Identifiers: ClinVar variation 3225299 (VCV003225299.2), dbSNP rs1724573125, ClinGen allele CA356896253.